The following is an entry in ClinVar:

NM_012414.4(RAB3GAP2):c.694C>T (p.Arg232Ter)

Gene: RAB3GAP2 (RAB3 GTPase activating non-catalytic protein subunit 2; minus strand). Cytogenetic location: 1q41.
Variant type: single nucleotide variant.
Coding change: c.694C>T on transcript NM_012414.4 (MANE Select); coding-DNA position 694, C replaced by T.
Protein change: p.Arg232Ter; replaces arginine 232 with a stop codon.
Molecular consequence: nonsense.
Genome position (GRCh38, 1-based): chr1:220,205,925, G>A on the plus strand (C>T on the coding strand, the complement: RAB3GAP2 is on the minus strand). VCF-style: chr1-220205925-G-A. GRCh37 (hg19) VCF-style: chr1-220379267-G-A.
Other names: short protein forms R232*.
Identifiers: ClinVar variation 2193003 (VCV002193003.4), dbSNP rs529653924, ClinGen allele CA1402934.

ClinVar aggregate classification (germline): Pathogenic (1 of 4 stars; one submission).

Conditions:
Martsolf syndrome (MARTS). Also called: Congenital cataract with intellectual disability and hypogonadotropic hypogonadism syndrome. Identifiers: Orphanet 1387, MedGen C0796037, MONDO:0023910.
Warburg micro syndrome 2 (WARBM2). Also called: MICRO SYNDROME 2. Identifiers: Orphanet 2510, MedGen C3280214, MONDO:0013641, OMIM 614225.

Allele frequency attached by ClinVar (database versions not stated): gnomAD exomes below 0.00001; TOPMed below 0.00001; gnomAD 0.00001; ExAC 0.00002; 1000 Genomes Project 0.00020; 1000 Genomes Project 30x 0.00031.

Submission:

Labcorp Genetics (formerly Invitae), Labcorp
Classification: Pathogenic for Martsolf syndrome; Warburg micro syndrome 2. Last evaluated: 2022-05-25. Review status: criteria provided, single submitter. Criteria: Invitae Variant Classification Sherloc (09022015). Collection method: clinical testing. Allele origin: germline.
Comment: For these reasons, this variant has been classified as Pathogenic. This variant has not been reported in the literature in individuals affected with RAB3GAP2-related conditions. This variant is present in population databases (rs529653924, gnomAD 0.006%). This sequence change creates a premature translational stop signal (p.Arg232*) in the RAB3GAP2 gene. It is expected to result in an absent or disrupted protein product. Loss-of-function variants in RAB3GAP2 are known to be pathogenic (PMID: 23420520).

Literature cited by the submitters: PubMed 23420520.